The following is an entry in ClinVar:

NM_004168.4(SDHA):c.1061G>A (p.Gly354Glu)

Gene: SDHA (succinate dehydrogenase complex flavoprotein subunit A; plus strand). Cytogenetic location: 5p15.33.
Variant type: single nucleotide variant.
Coding change: c.1061G>A on transcript NM_004168.4 (MANE Select); coding-DNA position 1061, G replaced by A.
Protein change: p.Gly354Glu; replaces glycine 354 with glutamic acid.
Molecular consequence: missense variant.
Genome position (GRCh38, 1-based): chr5:233,642, G>A. VCF-style: chr5-233642-G-A. GRCh37 (hg19) VCF-style: chr5-233757-G-A.
Other names: c.1061G>A (NM_004168.2); c.917G>A, p.Gly306Glu (NM_001294332.2); c.1061G>A, p.Gly354Glu (NM_001330758.2); short protein forms G306E, G354E.
Identifiers: ClinVar variation 1499918 (VCV001499918.10), dbSNP rs2126578424, ClinGen allele CA359013022.

ClinVar aggregate classification (germline): Uncertain significance. Review status: criteria provided, multiple submitters, no conflicts (2 of 4 stars). 3 submissions from 3 submitters: Uncertain significance (3). Last evaluated 2026-01-29.

Conditions:
Mitochondrial complex II deficiency, nuclear type 1. Also called: SUCCINATE CoQ REDUCTASE DEFICIENCY. Identifiers: Orphanet 3208, MedGen C5700310, MONDO:0100294, OMIM 252011.
Pheochromocytoma/paraganglioma syndrome 5. Also called: Paragangliomas 5; SDHA-Related Hereditary Paraganglioma-Pheochromocytoma Syndrome. Identifiers: Orphanet 29072, MedGen C3279992, MONDO:0013602, OMIM 614165.
Dilated cardiomyopathy 1GG (CMD1GG). Identifiers: Orphanet 154, MedGen C3150898, MONDO:0013339, OMIM 613642.
Hereditary cancer-predisposing syndrome. Also called: Neoplastic Syndromes, Hereditary; Hereditary Cancer Syndrome; Hereditary neoplastic syndrome; Tumor predisposition. Identifiers: Orphanet 140162, MedGen C0027672, MeSH D009386, MONDO:0015356.

gnomAD v4.1: 3 of 1,614,008 alleles (0.00019%); highest among the groups gnomAD compares: Non-Finnish European, 0.00025%; no homozygotes.

Submissions (3):

Ambry Genetics
Classification: Uncertain significance for Hereditary cancer-predisposing syndrome. Last evaluated: 2026-01-29. Review status: criteria provided, single submitter. Criteria: Ambry Variant Classification Scheme 2023. Collection method: clinical testing. Allele origin: germline.
Comment: The p.G354E variant (also known as c.1061G>A), located in coding exon 8 of the SDHA gene, results from a G to A substitution at nucleotide position 1061. The glycine at codon 354 is replaced by glutamic acid, an amino acid with similar properties. This amino acid position is highly conserved in available vertebrate species. In addition, this alteration is predicted to be deleterious by in silico analysis. Based on the available evidence, the clinical significance of this variant remains unclear.

Labcorp Genetics (formerly Invitae), Labcorp
Classification: Uncertain significance for Pheochromocytoma/paraganglioma syndrome 5; Mitochondrial complex II deficiency, nuclear type 1. Last evaluated: 2025-11-10. Review status: criteria provided, single submitter. Criteria: Invitae Variant Classification Sherloc (09022015). Collection method: clinical testing. Allele origin: germline.
Comment: This sequence change replaces glycine, which is neutral and non-polar, with glutamic acid, which is acidic and polar, at codon 354 of the SDHA protein (p.Gly354Glu). This variant is not present in population databases (gnomAD no frequency). This variant has not been reported in the literature in individuals affected with SDHA-related conditions. ClinVar contains an entry for this variant (Variation ID: 1499918). Invitae Evidence Modeling of protein sequence and biophysical properties (such as structural, functional, and spatial information, amino acid conservation, physicochemical variation, residue mobility, and thermodynamic stability) has been performed for this missense variant. However, the output from this modeling did not meet the statistical confidence thresholds required to predict the impact of this variant on SDHA protein function. In summary, the available evidence is currently insufficient to determine the role of this variant in disease. Therefore, it has been classified as a Variant of Uncertain Significance.

Baylor Genetics
Classification: Uncertain significance for Dilated cardiomyopathy 1GG. Last evaluated: 2023-12-17. Review status: criteria provided, single submitter. Criteria: ACMG Guidelines, 2015. Collection method: clinical testing. Allele origin: unknown.